The following is an entry in ClinVar:

ClinVar aggregate classification (germline): Conflicting classifications of pathogenicity. Review status: criteria provided, conflicting classifications (1 of 4 stars). 2 submissions from 2 submitters: Uncertain significance (1); Likely benign (1). Last evaluated 2025-06-12.

Allele frequency attached by ClinVar (database versions not stated): TOPMed 0.00002; ExAC 0.00003; 1000 Genomes Project 0.00026; 1000 Genomes Project 30x 0.00021; gnomAD 0.00005.

Submissions (2):

Labcorp Genetics (formerly Invitae), Labcorp
Classification: Uncertain significance. Last evaluated: 2025-06-12. Review status: criteria provided, single submitter. Criteria: Invitae Variant Classification Sherloc (09022015). Collection method: clinical testing. Allele origin: germline.
Comment: This sequence change replaces serine, which is neutral and polar, with asparagine, which is neutral and polar, at codon 86 of the NXF5 protein (p.Ser86Asn). This variant is present in population databases (rs192990689, gnomAD 0.005%). This variant has not been reported in the literature in individuals affected with NXF5-related conditions. ClinVar contains an entry for this variant (Variation ID: 2963001). An algorithm developed to predict the effect of missense changes on protein structure and function outputs the following: PolyPhen-2: "Benign". The asparagine amino acid residue is found in multiple mammalian species, which suggests that this missense change does not adversely affect protein function. In summary, the available evidence is currently insufficient to determine the role of this variant in disease. Therefore, it has been classified as a Variant of Uncertain Significance.

Ambry Genetics
Classification: Likely benign. Last evaluated: 2024-06-19. Review status: criteria provided, single submitter. Criteria: Ambry Variant Classification Scheme 2023. Collection method: clinical testing. Allele origin: germline.

NC_000023.11:g.101841542C>T

Gene: NXF5 (nuclear RNA export factor 5; minus strand). Cytogenetic location: Xq22.1.
Variant type: single nucleotide variant.
Molecular consequence: non-coding transcript variant (on NR_028089.1).
Genome position: GRCh38 VCF-style: chrX-101841542-C-T. GRCh37 (hg19) VCF-style: chrX-101096514-C-T.
Other names: NM_032946.2:c.257G>A.
Identifiers: ClinVar variation 2963001 (VCV002963001.4), dbSNP rs192990689, ClinGen allele CA10474684.